The following is an entry in ClinVar:

NM_001111125.3(IQSEC2):c.1586_1587del (p.Pro529fs)

Gene: IQSEC2 (IQ motif and Sec7 domain ArfGEF 2; minus strand). Cytogenetic location: Xp11.22.
Variant type: Deletion.
Coding change: c.1586_1587del on transcript NM_001111125.3 (MANE Select); coding-DNA positions 1586 to 1587, 2 bases deleted (CT; older notation c.1586_1587delCT).
Protein change: p.Pro529fs; shifts the reading frame from proline 529.
Molecular consequence: frameshift variant.
Genome position (GRCh38, 1-based): chrX:53,250,989-53,250,990, AG deleted on the plus strand (CT on the coding strand, the reverse complement: IQSEC2 is on the minus strand). VCF-style (leftmost placement, unchanged base first): chrX-53250988-CAG-C. GRCh37 (hg19) VCF-style: chrX-53280170-CAG-C.
Other names: c.971_972del, p.Pro324fs (NM_015075.2); short protein forms P324fs, P529fs.
Identifiers: ClinVar variation 916371 (VCV000916371.46), dbSNP rs2074381038, ClinGen allele CA1139667570.
Genomic context (GRCh38, chrX:53,250,988, plus strand): 5'-GGGCTGGCGCCCAGAACTCGGGCCGGCCCTGGGGTGGGGGTTCTGTGCTGGGCAGTCGCT[CAG>C]GGGATTGTTGGGGAACTGTGTCATCCAGGTAGAGGGGAAGATCACTGAAGGATGTGGCTG-3'

ClinVar aggregate classification (germline): Pathogenic. Review status: criteria provided, multiple submitters, no conflicts (2 of 4 stars). 2 submissions from 2 submitters: Pathogenic (2). Last evaluated 2020-02-01.

Conditions:
Intellectual developmental disorder, X-linked 1. Also called: MENTAL RETARDATION, X-LINKED 18; MENTAL RETARDATION, X-LINKED 78; Intellectual disability, X-linked 1; Atkin Flaitz Patil Smith syndrome. Identifiers: Orphanet 777, MedGen C2931498, MONDO:0010656, OMIM 309530.

Submissions (2):

CeGaT Center for Human Genetics Tuebingen
Classification: Pathogenic. Last evaluated: 2020-02-01. Review status: criteria provided, single submitter. Criteria: CeGaT Center For Human Genetics Tuebingen Variant Classification Criteria Version 2. Collection method: clinical testing. Allele origin: germline. Affected: yes. Observed: 1 variant allele.

Labcorp Genetics (formerly Invitae), Labcorp
Classification: Pathogenic for Intellectual developmental disorder, X-linked 1. Last evaluated: 2019-07-20. Review status: criteria provided, single submitter. Criteria: Invitae Variant Classification Sherloc (09022015). Collection method: clinical testing. Allele origin: germline.
Comment: This variant has not been reported in the literature in individuals with IQSEC2-related conditions. For these reasons, this variant has been classified as Pathogenic. Loss-of-function variants in IQSEC2 are known to be pathogenic (PMID: 21686261, 26793055, 27665735). This variant is not present in population databases (ExAC no frequency). This sequence change creates a premature translational stop signal (p.Pro529Argfs*38) in the IQSEC2 gene. It is expected to result in an absent or disrupted protein product.

Literature cited by the submitters: PubMed 21686261 (cited by Labcorp Genetics (formerly Invitae), Labcorp); PubMed 26793055 (cited by Labcorp Genetics (formerly Invitae), Labcorp); PubMed 27665735 (cited by Labcorp Genetics (formerly Invitae), Labcorp).